The following is an entry in ClinVar:

ClinVar aggregate classification (germline): Uncertain significance. Review status: criteria provided, multiple submitters, no conflicts (2 of 4 stars). 3 submissions from 3 submitters: Uncertain significance (3). Last evaluated 2026-07-30.

Conditions:
Multiple endocrine neoplasia, type 1 (MEN1). Also called: MEA I; MEN I; WERMER SYNDROME; Endocrine adenomatosis multiple; MEN 1. Identifiers: Orphanet 652, MedGen C0025267, MeSH D018761, MONDO:0007540, OMIM 131100.
Hereditary cancer-predisposing syndrome. Also called: Tumor predisposition; Hereditary neoplastic syndrome; Neoplastic Syndromes, Hereditary; Hereditary Cancer Syndrome. Identifiers: Orphanet 140162, MedGen C0027672, MeSH D009386, MONDO:0015356.

Allele frequency attached by ClinVar (database versions not stated): gnomAD exomes below 0.00001.

Submissions (3):

Ambry Genetics
Classification: Uncertain significance for Hereditary cancer-predisposing syndrome. Last evaluated: 2026-07-30. Review status: criteria provided, single submitter. Criteria: Ambry Variant Classification Scheme 2023. Collection method: clinical testing. Allele origin: germline.
Comment: The p.E547K variant (also known as c.1639G>A), located in coding exon 9 of the MEN1 gene, results from a G to A substitution at nucleotide position 1639. The glutamic acid at codon 547 is replaced by lysine, an amino acid with similar properties. This amino acid position is not well conserved in available vertebrate species. In addition, the in silico prediction for this alteration is inconclusive. Based on the available evidence, the clinical significance of this variant remains unclear.

Labcorp Genetics (formerly Invitae), Labcorp
Classification: Uncertain significance for Multiple endocrine neoplasia, type 1. Last evaluated: 2025-12-14. Review status: criteria provided, single submitter. Criteria: Invitae Variant Classification Sherloc (09022015). Collection method: clinical testing. Allele origin: germline.
Comment: This sequence change replaces glutamic acid, which is acidic and polar, with lysine, which is basic and polar, at codon 547 of the MEN1 protein (p.Glu547Lys). This variant is not present in population databases (gnomAD no frequency). This variant has not been reported in the literature in individuals affected with MEN1-related conditions. ClinVar contains an entry for this variant (Variation ID: 841269). Invitae Evidence Modeling of protein sequence and biophysical properties (such as structural, functional, and spatial information, amino acid conservation, physicochemical variation, residue mobility, and thermodynamic stability) indicates that this missense variant is not expected to disrupt MEN1 protein function with a negative predictive value of 95%. In summary, the available evidence is currently insufficient to determine the role of this variant in disease. Therefore, it has been classified as a Variant of Uncertain Significance.

Human Genome Sequencing Center Clinical Lab, Baylor College of Medicine
Classification: Uncertain significance for Multiple endocrine neoplasia 1. Review status: criteria provided, single submitter. Criteria: ACMG Guidelines, 2015. Collection method: clinical testing. Allele origin: germline.

NM_001370259.2(MEN1):c.1639G>A (p.Glu547Lys)

Gene: MEN1 (menin 1; minus strand). Cytogenetic location: 11q13.1.
Variant type: single nucleotide variant.
Coding change: c.1639G>A on transcript NM_001370259.2 (MANE Select); coding-DNA position 1639, G replaced by A.
Protein change: p.Glu547Lys; replaces glutamic acid 547 with lysine.
Molecular consequence: missense variant.
Genome position (GRCh38, 1-based): chr11:64,804,528, C>T on the plus strand (G>A on the coding strand, the complement: MEN1 is on the minus strand). VCF-style: chr11-64804528-C-T. GRCh37 (hg19) VCF-style: chr11-64572000-C-T.
Other names: c.1639G>A, p.Glu547Lys (NM_130799.3, NM_001370260.2, NM_001370261.2); c.1654G>A, p.Glu552Lys (NM_130800.3, NM_130801.3, NM_130802.3 and 3 more transcripts); c.1765G>A, p.Glu589Lys (NM_001370251.2); c.1534G>A, p.Glu512Lys (NM_001370262.2, NM_001370263.2); short protein forms E512K, E547K, E589K, E552K.
Identifiers: ClinVar variation 841269 (VCV000841269.11), dbSNP rs1941508162, ClinGen allele CA381177945.